The following is an entry in ClinVar:

ClinVar aggregate classification (germline): Uncertain significance. Review status: criteria provided, multiple submitters, no conflicts (2 of 4 stars). 2 submissions from 2 submitters: Uncertain significance (2). Last evaluated 2026-02-25.

Conditions:
THPO-related disorder. Also called: THPO-related condition.

Allele frequency attached by ClinVar (database versions not stated): gnomAD exomes below 0.00001; TOPMed below 0.00001.

Submissions (2):

PreventionGenetics, part of Exact Sciences
Classification: Uncertain significance for THPO-related condition. Last evaluated: 2026-02-25. Review status: criteria provided, single submitter. Criteria: ACMG Guidelines, 2015. Collection method: clinical testing. Allele origin: germline.
Comment: The THPO c.617_619dupACT variant is predicted to result in an in-frame duplication (p.Asn206_Phe207insTyr). To our knowledge, this variant has not been reported in the literature or in a large population database (gnomAD), indicating this variant is rare. At this time, the clinical significance of this variant is uncertain due to the absence of conclusive functional and genetic evidence.

Labcorp Genetics (formerly Invitae), Labcorp
Classification: Uncertain significance. Last evaluated: 2023-11-07. Review status: criteria provided, single submitter. Criteria: Invitae Variant Classification Sherloc (09022015). Collection method: clinical testing. Allele origin: germline.
Comment: This variant, c.617_619dup, results in the insertion of 1 amino acid(s) of the THPO protein (p.Asn206_Phe207insTyr), but otherwise preserves the integrity of the reading frame. This variant is not present in population databases (gnomAD no frequency). This variant has not been reported in the literature in individuals affected with THPO-related conditions. In summary, the available evidence is currently insufficient to determine the role of this variant in disease. Therefore, it has been classified as a Variant of Uncertain Significance.

NM_000460.4(THPO):c.617_619dup (p.Asn206_Phe207insTyr)

Gene: THPO (thrombopoietin; minus strand). Cytogenetic location: 3q27.1.
Variant type: Duplication.
Coding change: c.617_619dup on transcript NM_000460.4 (MANE Select); coding-DNA positions 617 to 619, 3 bases duplicated (ACT; older notation c.617_619dupACT).
Protein change: p.Asn206_Phe207insTyr.
Molecular consequence: inframe insertion.
Genome position (GRCh38, 1-based): chr3:184,372,956-184,372,958, AGT duplicated on the plus strand (ACT on the coding strand, the reverse complement: THPO is on the minus strand). VCF-style (leftmost placement, unchanged base first): chr3-184372955-A-AAGT. GRCh37 (hg19) VCF-style: chr3-184090743-A-AAGT.
Other names: c.605_607dup, p.Asn202_Phe203insTyr (NM_001177597.2, NM_001290022.1); c.600_602dup, p.Leu201_His202insLeu (NM_001177598.2, NM_001290026.1); c.501_503dup, p.Leu168_His169insLeu (NM_001289997.1, NM_001290027.1); c.617_619dup, p.Asn206_Phe207insTyr (NM_001289998.1, NM_001290028.1); c.1037_1039dup, p.Asn346_Phe347insTyr (NM_001290003.1); c.617_619dupACT (NM_000460.3).
Identifiers: ClinVar variation 2891035 (VCV002891035.4), dbSNP rs1490246291, ClinGen allele CA903708436.